The following is an entry in ClinVar:

ClinVar aggregate classification (germline): Uncertain significance (1 of 4 stars; one submission).

Conditions:
Immunodeficiency 19 (IMD19). Also called: CD3-DELTA DEFICIENCY; SEVERE COMBINED IMMUNODEFICIENCY, T CELL-NEGATIVE, B CELL-POSITIVE, NK CELL-POSITIVE; SCID, T CELL-NEGATIVE, B CELL-POSITIVE, NK CELL-POSITIVE; IMMUNODEFICIENCY 19, SEVERE COMBINED. Identifiers: MedGen C3810147, MONDO:0014280, OMIM 615617.

Allele frequency attached by ClinVar (database versions not stated): gnomAD 0.00001; gnomAD exomes 0.00001 and 0.00002; ExAC 0.00002; TOPMed 0.00003; 1000 Genomes Project 30x 0.00016; 1000 Genomes Project 0.00020.

Submission:

Labcorp Genetics (formerly Invitae), Labcorp
Classification: Uncertain significance for Immunodeficiency 19. Last evaluated: 2022-09-07. Review status: criteria provided, single submitter. Criteria: Invitae Variant Classification Sherloc (09022015). Collection method: clinical testing. Allele origin: germline.
Comment: This sequence change replaces aspartic acid, which is acidic and polar, with asparagine, which is neutral and polar, at codon 138 of the CD3D protein (p.Asp138Asn). This variant is present in population databases (rs547344580, gnomAD 0.006%). This variant has not been reported in the literature in individuals affected with CD3D-related conditions. ClinVar contains an entry for this variant (Variation ID: 1022082). Algorithms developed to predict the effect of missense changes on protein structure and function output the following: SIFT: "Deleterious"; PolyPhen-2: "Benign"; Align-GVGD: "Class C0". The asparagine amino acid residue is found in multiple mammalian species, which suggests that this missense change does not adversely affect protein function. In summary, the available evidence is currently insufficient to determine the role of this variant in disease. Therefore, it has been classified as a Variant of Uncertain Significance.

NM_000732.6(CD3D):c.412G>A (p.Asp138Asn)

Gene: CD3D (CD3 delta subunit of T-cell receptor complex; minus strand). Cytogenetic location: 11q23.3.
Variant type: single nucleotide variant.
Coding change: c.412G>A on transcript NM_000732.6 (MANE Select); coding-DNA position 412, G replaced by A.
Protein change: p.Asp138Asn; replaces aspartic acid 138 with asparagine.
Molecular consequence: missense variant.
Genome position (GRCh38, 1-based): chr11:118,339,489, C>T on the plus strand (G>A on the coding strand, the complement: CD3D is on the minus strand). VCF-style: chr11-118339489-C-T. GRCh37 (hg19) VCF-style: chr11-118210204-C-T.
Other names: c.280G>A, p.Asp94Asn (NM_001040651.2); short protein forms D138N, D94N.
Identifiers: ClinVar variation 1022082 (VCV001022082.6), dbSNP rs547344580, ClinGen allele CA6301885.